The following is an entry in ClinVar:

ClinVar aggregate classification (germline): Uncertain significance. Review status: criteria provided, multiple submitters, no conflicts (2 of 4 stars). 2 submissions from 2 submitters: Uncertain significance (2). Last evaluated 2026-05-18.

Conditions:
Inborn genetic diseases. Identifiers: MedGen C0950123, MeSH D030342.
Spastic paraplegia. Identifiers: MedGen C0037772, HP:0001258.

gnomAD v4.1: 6 of 1,596,678 alleles (0.00038%); highest among the groups gnomAD compares: Admixed American, 0.0053%; no homozygotes.

Submissions (2):

Ambry Genetics
Classification: Uncertain significance for Inborn genetic diseases. Last evaluated: 2026-05-18. Review status: criteria provided, single submitter. Criteria: Ambry Variant Classification Scheme 2023. Collection method: clinical testing. Allele origin: germline.
Comment: The c.820C>A (p.P274T) alteration is located in exon 6 (coding exon 6) of the FA2H gene. This alteration results from a C to A substitution at nucleotide position 820, causing the proline (P) at amino acid position 274 to be replaced by a threonine (T). Based on data from gnomAD, the A allele has an overall frequency of 0.001% (3/210256) total alleles studied. The highest observed frequency was 0.01% (3/30086) of Latino alleles. Based on insufficient or conflicting evidence, the clinical significance of this alteration remains unclear.

Labcorp Genetics (formerly Invitae), Labcorp
Classification: Uncertain significance for Spastic paraplegia. Last evaluated: 2022-08-09. Review status: criteria provided, single submitter. Criteria: Invitae Variant Classification Sherloc (09022015). Collection method: clinical testing. Allele origin: germline.
Comment: This sequence change replaces proline, which is neutral and non-polar, with threonine, which is neutral and polar, at codon 274 of the FA2H protein (p.Pro274Thr). The frequency data for this variant in the population databases is considered unreliable, as metrics indicate poor data quality at this position in the gnomAD database. This variant has not been reported in the literature in individuals affected with FA2H-related conditions. Advanced modeling of protein sequence and biophysical properties (such as structural, functional, and spatial information, amino acid conservation, physicochemical variation, residue mobility, and thermodynamic stability) performed at Invitae indicates that this missense variant is expected to disrupt FA2H protein function. In summary, the available evidence is currently insufficient to determine the role of this variant in disease. Therefore, it has been classified as a Variant of Uncertain Significance.

NM_024306.5(FA2H):c.820C>A (p.Pro274Thr)

Gene: FA2H (fatty acid 2-hydroxylase; minus strand). Cytogenetic location: 16q23.1.
Variant type: single nucleotide variant.
Coding change: c.820C>A on transcript NM_024306.5 (MANE Select); coding-DNA position 820, C replaced by A.
Protein change: p.Pro274Thr; replaces proline 274 with threonine.
Molecular consequence: missense variant.
Genome position (GRCh38, 1-based): chr16:74,716,566, G>T on the plus strand (C>A on the coding strand, the complement: FA2H is on the minus strand). VCF-style: chr16-74716566-G-T. GRCh37 (hg19) VCF-style: chr16-74750464-G-T.
Other names: c.820C>A (NM_024306.4); short protein forms P274T.
Identifiers: ClinVar variation 2185693 (VCV002185693.2), dbSNP rs373152103, ClinGen allele CA8170377.